The following is an entry in ClinVar:

ClinVar aggregate classification (germline): Likely pathogenic (1 of 4 stars; one submission).

Submission:

Labcorp Genetics (formerly Invitae), Labcorp
Classification: Likely pathogenic. Last evaluated: 2023-05-14. Review status: criteria provided, single submitter. Criteria: Invitae Variant Classification Sherloc (09022015). Collection method: clinical testing. Allele origin: germline.
Comment: In summary, the currently available evidence indicates that the variant is pathogenic, but additional data are needed to prove that conclusively. Therefore, this variant has been classified as Likely Pathogenic. Algorithms developed to predict the effect of sequence changes on RNA splicing suggest that this variant may disrupt the consensus splice site. This variant has not been reported in the literature in individuals affected with TG-related conditions. This variant is not present in population databases (gnomAD no frequency). This sequence change affects a donor splice site in intron 18 of the TG gene. It is expected to disrupt RNA splicing. Variants that disrupt the donor or acceptor splice site typically lead to a loss of protein function (PMID: 16199547), and loss-of-function variants in TG are known to be pathogenic (PMID: 19837936, 23164529).

Literature cited by the submitters: PubMed 16199547; PubMed 19837936; PubMed 23164529.

NM_003235.5(TG):c.4002+1G>A

Gene: TG (thyroglobulin; plus strand). Cytogenetic location: 8q24.22.
Variant type: single nucleotide variant.
Coding change: c.4002+1G>A on transcript NM_003235.5 (MANE Select); the canonical splice donor site of the intron after coding-DNA position 4002, G replaced by A.
Molecular consequence: splice donor variant.
Genome position (GRCh38, 1-based): chr8:132,908,341, G>A. VCF-style: chr8-132908341-G-A. GRCh37 (hg19) VCF-style: chr8-133920586-G-A.
Identifiers: ClinVar variation 2778976 (VCV002778976.3), dbSNP rs2490170832, ClinGen allele CA372244353.
Genomic context (GRCh38, chr8:132,908,341, plus strand): 5'-CAGACTTTCCAGGTTTTCATATTGGATGAGCTGACAGCCCGCGGCTTCTGCCAGATCCAG[G>A]TACATGCCTGGCCTTCCCCACAGTGAGGGCTTGGACTCAACTCAGGGTTACGGTGTCAGA-3'